The following is an entry in ClinVar:

ClinVar aggregate classification (germline): Uncertain significance. Review status: criteria provided, multiple submitters, no conflicts (2 of 4 stars). 2 submissions from 2 submitters: Uncertain significance (2). Last evaluated 2022-11-02.

Submissions (2):

Blueprint Genetics
Classification: Uncertain significance. Last evaluated: 2022-11-02. Review status: criteria provided, single submitter. Criteria: ACMG Guidelines, 2015. Collection method: clinical testing. Allele origin: germline.

Labcorp Genetics (formerly Invitae), Labcorp
Classification: Uncertain significance. Last evaluated: 2021-10-31. Review status: criteria provided, single submitter. Criteria: Invitae Variant Classification Sherloc (09022015). Collection method: clinical testing. Allele origin: germline.
Comment: Variants that disrupt the consensus splice site are a relatively common cause of aberrant splicing (PMID: 17576681, 9536098). Algorithms developed to predict the effect of sequence changes on RNA splicing suggest that this variant may disrupt the consensus splice site. In summary, the available evidence is currently insufficient to determine the role of this variant in disease. Therefore, it has been classified as a Variant of Uncertain Significance. This sequence change falls in intron 3 of the KIF11 gene. It does not directly change the encoded amino acid sequence of the KIF11 protein. It affects a nucleotide within the consensus splice site. This variant is not present in population databases (gnomAD no frequency). This variant has not been reported in the literature in individuals affected with KIF11-related conditions.

Literature cited by the submitters: PubMed 17576681 (cited by Labcorp Genetics (formerly Invitae), Labcorp); PubMed 9536098 (cited by Labcorp Genetics (formerly Invitae), Labcorp).

NM_004523.4(KIF11):c.308+5G>A

Gene: KIF11 (kinesin family member 11; plus strand). Cytogenetic location: 10q23.33.
Variant type: single nucleotide variant.
Coding change: c.308+5G>A on transcript NM_004523.4 (MANE Select); 5 bases into the intron after coding-DNA position 308, G replaced by A.
Molecular consequence: intron variant.
Genome position (GRCh38, 1-based): chr10:92,606,721, G>A. VCF-style: chr10-92606721-G-A. GRCh37 (hg19) VCF-style: chr10-94366478-G-A.
Identifiers: ClinVar variation 1423813 (VCV001423813.7), dbSNP rs2135900812, ClinGen allele CA2573145823.